The following is an entry in ClinVar:

NM_000543.5(SMPD1):c.1556A>T (p.Tyr519Phe)

Gene: SMPD1 (sphingomyelin phosphodiesterase 1; plus strand). Cytogenetic location: 11p15.4.
Variant type: single nucleotide variant.
Coding change: c.1556A>T on transcript NM_000543.5 (MANE Select); coding-DNA position 1556, A replaced by T.
Protein change: p.Tyr519Phe; replaces tyrosine 519 with phenylalanine.
Molecular consequence: missense variant. On other transcripts: 3 prime UTR variant (1), non-coding transcript variant (2).
Genome position (GRCh38, 1-based): chr11:6,394,267, A>T. VCF-style: chr11-6394267-A-T. GRCh37 (hg19) VCF-style: chr11-6415497-A-T.
Other names: c.1553A>T, p.Tyr518Phe (NM_001007593.3); c.*49A>T (NM_001318087.2); c.635A>T, p.Tyr212Phe (NM_001318088.2); c.1424A>T, p.Tyr475Phe (NM_001365135.2); short protein forms Y212F, Y475F, Y518F, Y519F.
Identifiers: ClinVar variation 3046307 (VCV003046307.3), dbSNP rs371837210, ClinGen allele CA217302687.

ClinVar aggregate classification (germline): Uncertain significance. Review status: criteria provided, single submitter (1 of 4 stars). 2 submissions from 2 submitters: Uncertain significance (1). 1 of the submissions does not count toward it. Last evaluated 2025-09-04.

Conditions:
SMPD1-related disorder. Also called: SMPD1-related condition.

Allele frequency attached by ClinVar (database versions not stated): TOPMed 0.00001; ESP Exome Variant Server 0.00008.
gnomAD v4.1: 31 of 1,614,186 alleles (0.0019%); highest among the groups gnomAD compares: Non-Finnish European, 0.0025%; no homozygotes.

Submissions (2):

Women's Health and Genetics/Laboratory Corporation of America, LabCorp
Classification: Uncertain significance. Last evaluated: 2025-09-04. Review status: criteria provided, single submitter. Criteria: LabCorp Variant Classification Summary - May 2015. Collection method: clinical testing. Allele origin: germline.
Comment: Variant summary: SMPD1 c.1556A>T (p.Tyr519Phe) results in a conservative amino acid change in the encoded protein sequence. Algorithms developed to predict the effect of missense changes on protein structure and function are either unavailable or do not agree on the potential impact of this missense change. The variant was absent in 251342 control chromosomes. The available data on variant occurrences in the general population are insufficient to allow any conclusion about variant significance. To our knowledge, no occurrence of c.1556A>T in individuals affected with SMPD1-related conditions and no experimental evidence demonstrating its impact on protein function have been reported. ClinVar contains an entry for this variant (Variation ID: 3046307). Based on the evidence outlined above, the variant was classified as uncertain significance.

PreventionGenetics, part of Exact Sciences
Classification: Uncertain significance for SMPD1-related condition. Last evaluated: 2024-01-15. Review status: no assertion criteria provided. Collection method: clinical testing. Allele origin: germline. Not counted in ClinVar's aggregate classification.
Comment: The SMPD1 c.1556A>T variant is predicted to result in the amino acid substitution p.Tyr519Phe. To our knowledge, this variant has not been reported in the literature. Although an alternate variant at the same amino acid position has been associated with autosomal recessive SMPD1-related disease, the Tyr519Phe change is documented in 31 heterozygous individuals in gnomAD version 4 data, and has not been reported in any affected individuals (Ricci et al. 2004. PubMed ID: 15221801). At this time, the clinical significance of this variant is uncertain due to the absence of conclusive functional and genetic evidence.